The following is an entry in ClinVar:

ClinVar aggregate classification (germline): Conflicting classifications of pathogenicity. Review status: criteria provided, conflicting classifications (1 of 4 stars). 10 submissions from 10 submitters: Uncertain significance (4); Likely benign (4). 2 of the submissions do not count toward it. Last evaluated 2025-12-19.

Conditions:
Breast and/or ovarian cancer. Identifiers: MedGen CN221562.
Hereditary breast ovarian cancer syndrome. Also called: Hereditary breast and ovarian cancer syndrome; Hereditary breast and ovarian cancer; Hereditary breast and ovarian cancer syndrome (HBOC); Breast and ovarian cancer; Hereditary breast and/or ovarian cancer syndrome; BRCA1- and BRCA2-Associated Hereditary Breast and Ovarian Cancer. Identifiers: Orphanet 145, MedGen C0677776, MeSH D061325, MONDO:0003582. Disease mechanism: loss of function.
Hereditary cancer-predisposing syndrome. Also called: Neoplastic Syndromes, Hereditary; Tumor predisposition; Hereditary neoplastic syndrome; Hereditary Cancer Syndrome. Identifiers: Orphanet 140162, MedGen C0027672, MeSH D009386, MONDO:0015356.
Breast-ovarian cancer, familial, susceptibility to, 2 (BROVCA2). Also called: BRCA2 Hereditary Breast and Ovarian Cancer. Identifiers: Orphanet 145, MedGen C2675520, MONDO:0012933, OMIM 612555. Disease mechanism: loss of function.

Allele frequency attached by ClinVar (database versions not stated): TOPMed below 0.00001; gnomAD 0.00001; gnomAD exomes 0.00001 and 0.00003.
gnomAD v4.1: 39 of 1,614,086 alleles (0.0024%); highest among the groups gnomAD compares: Non-Finnish European, 0.0031%; no homozygotes.

Submissions (10):

Labcorp Genetics (formerly Invitae), Labcorp
Classification: Likely benign for Hereditary breast ovarian cancer syndrome. Last evaluated: 2025-12-19. Review status: criteria provided, single submitter. Criteria: Invitae Variant Classification Sherloc (09022015). Collection method: clinical testing. Allele origin: germline.

Quest Diagnostics Nichols Institute San Juan Capistrano
Classification: Uncertain significance. Last evaluated: 2025-07-20. Review status: criteria provided, single submitter. Criteria: Quest Diagnostics criteria. Collection method: clinical testing. Allele origin: unknown.
Comment: The BRCA2 c.7484T>C (p.Ile2495Thr) variant has been reported in the published literature in an individual with acute myeloid leukemia (AML) (PMID: 26689913 (2015)). In a large-scale breast cancer association study, this variant has been observed in breast cancer cases and reportedly unaffected individuals (PMID: 33471991 (2021), see also LOVD). Functional studies have reported this variant does not have a significant damaging effect on BRCA2 protein function (PMIDs: 29884841 (2019), 29988080 (2018)), and it was reported as VUS in a multifactorial likelihood study (PMID: 31131967 (2019)). The frequency of this variant in the general population (Genome Aggregation Database) is uninformative in the assessment of its pathogenicity. Analysis of this variant using bioinformatics tools for the prediction of the effect of amino acid changes on protein structure and function yielded conflicting predictions that this variant is benign or damaging. Based on the available information, we are unable to determine the clinical significance of this variant.

Color Diagnostics, LLC DBA Color Health
Classification: Likely benign for Hereditary cancer-predisposing syndrome. Last evaluated: 2024-07-31. Review status: criteria provided, single submitter. Criteria: ACMG Guidelines, 2015. Collection method: clinical testing. Allele origin: germline.

All of Us Research Program, National Institutes of Health
Classification: Uncertain significance for Breast-ovarian cancer, familial, susceptibility to, 2. Last evaluated: 2023-12-18. Review status: criteria provided, single submitter. Criteria: ACMG Guidelines, 2015. Collection method: clinical testing. Allele origin: germline. Inheritance: Autosomal dominant inheritance. Observed: 7 variant alleles, 7 heterozygotes.
Comment: This missense variant replaces isoleucine with threonine at codon 2495 of the BRCA2 protein. Computational prediction is inconclusive regarding the impact of this variant on protein structure and function (internally defined REVEL score threshold 0.5 < inconclusive < 0.7, PMID: 27666373). Functional studies have shown that this variant does not impact homology-directed DNA repair activity (PMID: 29988080, 35736817). In a large breast cancer case-control study conducted by the BRIDGES consortium, this variant was reported in 3/60466 cases and 2/53461 unaffected controls (PMID: 33471991; Leiden Open Variation Database DB-ID BRCA2_008599). This variant has been identified in 3/282860 chromosomes in the general population by the Genome Aggregation Database (gnomAD). The available evidence is insufficient to determine the role of this variant in disease conclusively. Therefore, this variant is classified as a Variant of Uncertain Significance.

This study involves interpretation of variants in research participants for the purpose of population health screening. Participant phenotype was not available at the time of variant classification. Additional details can be found in publication PMID: 35346344, PMCID: PMC8962531

Women's Health and Genetics/Laboratory Corporation of America, LabCorp
Classification: Uncertain significance. Last evaluated: 2021-09-03. Review status: criteria provided, single submitter. Criteria: LabCorp Variant Classification Summary - May 2015. Collection method: clinical testing. Allele origin: germline.
Comment: Variant summary: BRCA2 c.7484T>C (p.Ile2495Thr) results in a non-conservative amino acid change located in the Breast cancer type 2 susceptibility protein, helical domain (IPR015252) of the encoded protein sequence. Five of five in-silico tools predict a damaging effect of the variant on protein function. The variant allele was found at a frequency of 1.1e-05 in 358370 control chromosomes (gnomAD and publication). The available data on variant occurrences in the general population are insufficient to allow any conclusion about variant significance. c.7484T>C has been reported in the literature in individuals affected with breast cancer and AML (e.g. Lu_2015, Dorling_2021) but was also reported in unaffected controls (Dorling_2021). These reports do not provide unequivocal conclusions about association of the variant with Hereditary Breast And Ovarian Cancer Syndrome. A co-occurrence with a pathogenic variant has been reported (BRCA2 c.2545delG, p.Val849Tyrfs), providing supporting evidence for a benign role. At least two publications report experimental evidence evaluating an impact on protein function, indicating that the variant results in >50%-90% of normal HDR activity (e.g. Hart_2018, Mesman_2018). Five other clinical diagnostic laboratories have submitted clinical-significance assessments for this variant to ClinVar after 2014 without evidence for independent evaluation, citing the variant as likely benign (n=2) and as uncertain significance (n=3). Based on the evidence outlined above, the variant was classified as VUS-possibly benign.

Ambry Genetics
Classification: Likely benign for Hereditary cancer-predisposing syndrome. Last evaluated: 2020-02-25. Review status: criteria provided, single submitter. Criteria: Ambry Variant Classification Scheme 2023. Collection method: clinical testing. Allele origin: germline.

GeneDx
Classification: Likely benign. Last evaluated: 2019-05-06. Review status: criteria provided, single submitter. Criteria: GeneDx Variant Classification Process June 2021. Collection method: clinical testing. Allele origin: germline. Affected: yes.
Comment: Not observed at a significant frequency in large population cohorts (Lek et al., 2016); In silico analysis, which includes protein predictors and evolutionary conservation, supports that this variant does not alter protein structure/function; This variant is associated with the following publications: (PMID: 29106415, 26689913, 29988080, 30212499, 28726806, 29884841)

CHEO Genetics Diagnostic Laboratory, Children's Hospital of Eastern Ontario
Classification: Uncertain significance for Breast and/or ovarian cancer. Last evaluated: 2017-08-29. Review status: criteria provided, single submitter. Criteria: ACMG Guidelines, 2015. Collection method: clinical testing. Allele origin: germline. Study: Canadian Open Genetics Repository.

Sharing Clinical Reports Project (SCRP)
Classification: Likely benign for Breast-ovarian cancer, familial 2. Last evaluated: 2012-10-23. Review status: no assertion criteria provided. Collection method: clinical testing. Allele origin: germline. Not counted in ClinVar's aggregate classification.

Breast Cancer Information Core (BIC) (BRCA2)
Classification: Uncertain significance for Breast-ovarian cancer, familial 2. Last evaluated: 2004-02-20. Review status: no assertion criteria provided. Collection method: clinical testing. Allele origin: germline, unknown. Affected: yes. Observed: 2 variant alleles. Not counted in ClinVar's aggregate classification.

Literature cited by the submitters: PubMed 35460704 (cited by Quest Diagnostics Nichols Institute San Juan Capistrano); PubMed 26689913 (cited by Quest Diagnostics Nichols Institute San Juan Capistrano and Women's Health and Genetics/Laboratory Corporation of America, LabCorp); PubMed 29884841 (cited by Quest Diagnostics Nichols Institute San Juan Capistrano and Women's Health and Genetics/Laboratory Corporation of America, LabCorp); PubMed 29988080 (cited by 4 submitters); PubMed 31131967 (cited by Quest Diagnostics Nichols Institute San Juan Capistrano); PubMed 39402389 (cited by Quest Diagnostics Nichols Institute San Juan Capistrano); PubMed 33471991 (cited by 3 submitters); PubMed 35736817 (cited by All of Us Research Program, National Institutes of Health); PubMed 30181556 (cited by Women's Health and Genetics/Laboratory Corporation of America, LabCorp).

NM_000059.4(BRCA2):c.7484T>C (p.Ile2495Thr)

Gene: BRCA2 (BRCA2 DNA repair associated; plus strand). Cytogenetic location: 13q13.1.
Variant type: single nucleotide variant.
Coding change: c.7484T>C on transcript NM_000059.4 (MANE Select); coding-DNA position 7484, T replaced by C.
Protein change: p.Ile2495Thr; replaces isoleucine 2495 with threonine.
Molecular consequence: missense variant.
Genome position (GRCh38, 1-based): chr13:32,356,476, T>C. VCF-style: chr13-32356476-T-C. GRCh37 (hg19) VCF-style: chr13-32930613-T-C.
Other names: Y2495H; 7712T>C; short protein forms I2495T.
Identifiers: ClinVar variation 52342 (VCV000052342.31), dbSNP rs80358974, ClinGen allele CA025112.